The following is an entry in ClinVar:

NM_182961.4(SYNE1):c.23392del (p.Gln7798fs)

Gene: SYNE1 (spectrin repeat containing nuclear envelope protein 1; minus strand). Cytogenetic location: 6q25.2.
Variant type: Deletion.
Coding change: c.23392del on transcript NM_182961.4 (MANE Select); coding-DNA position 23392, one base deleted (C; older notation c.23392delC).
Protein change: p.Gln7798fs; shifts the reading frame from glutamine 7798.
Molecular consequence: frameshift variant. On other transcripts: 5 prime UTR variant (1).
Genome position (GRCh38, 1-based): chr6:152,180,204, G deleted on the plus strand (C on the coding strand, the reverse complement: SYNE1 is on the minus strand). VCF-style (leftmost placement, unchanged base first): chr6-152180203-TG-T. GRCh37 (hg19) VCF-style: chr6-152501338-TG-T.
Other names: c.-3del (NM_001347701.2); c.23179del, p.Gln7727fs (NM_033071.5); short protein forms Q7727fs, Q7798fs.
Identifiers: ClinVar variation 3775369 (VCV003775369.1).

ClinVar aggregate classification (germline): Pathogenic (1 of 4 stars; one submission).

Conditions:
Autosomal recessive ataxia, Beauce type. Also called: SYNE1 Deficiency; Spinocerebellar ataxia, autosomal recessive 8; ATAXIA, RECESSIVE, OF BEAUCE; SYNE1-Related Autosomal Recessive Cerebellar Ataxia. Identifiers: Orphanet 88644, MedGen C1853116, MONDO:0012549, OMIM 610743.

Submission:

3billion
Classification: Pathogenic for Autosomal recessive ataxia, Beauce type. Last evaluated: 2024-02-15. Review status: criteria provided, single submitter. Criteria: ACMG Guidelines, 2015. Collection method: clinical testing. Allele origin: germline. Affected: yes.
Comment: The variant is not observed in the gnomAD v2.1.1 dataset. Predicted Consequence/Location: Frameshift: predicted to result in a loss or disruption of normal protein function through nonsense-mediated decay (NMD) or protein truncation. Multiple pathogenic variants are reported downstream of the variant. Therefore, this variant is classified as Pathogenic according to the recommendation of ACMG/AMP guideline.